The following is an entry in ClinVar:

ClinVar aggregate classification (germline): Uncertain significance (1 of 4 stars; one submission).

Submission:

Labcorp Genetics (formerly Invitae), Labcorp
Classification: Uncertain significance. Last evaluated: 2022-10-12. Review status: criteria provided, single submitter. Criteria: Invitae Variant Classification Sherloc (09022015). Collection method: clinical testing. Allele origin: germline.
Comment: Algorithms developed to predict the effect of missense changes on protein structure and function are either unavailable or do not agree on the potential impact of this missense change (SIFT: "Deleterious"; PolyPhen-2: "Probably Damaging"; Align-GVGD: "Class C15"). In summary, the available evidence is currently insufficient to determine the role of this variant in disease. Therefore, it has been classified as a Variant of Uncertain Significance. This variant has not been reported in the literature in individuals affected with PRPF4-related conditions. This variant is not present in population databases (gnomAD no frequency). This sequence change replaces proline, which is neutral and non-polar, with arginine, which is basic and polar, at codon 315 of the PRPF4 protein (p.Pro315Arg).

NM_001244926.2(PRPF4):c.941C>G (p.Pro314Arg)

Gene: PRPF4 (pre-mRNA splicing tri-snRNP complex factor PRPF4; plus strand). Cytogenetic location: 9q32.
Variant type: single nucleotide variant.
Coding change: c.941C>G on transcript NM_001244926.2 (MANE Select); coding-DNA position 941, C replaced by G.
Protein change: p.Pro314Arg; replaces proline 314 with arginine.
Molecular consequence: missense variant. On other transcripts: non-coding transcript variant (2).
Genome position (GRCh38, 1-based): chr9:113,288,183, C>G. VCF-style: chr9-113288183-C-G. GRCh37 (hg19) VCF-style: chr9-116050463-C-G.
Other names: c.215C>G, p.Pro72Arg (NM_001322266.2, NM_001322267.2); c.944C>G, p.Pro315Arg (NM_004697.5); short protein forms P314R, P315R, P72R.
Identifiers: ClinVar variation 2968717 (VCV002968717.3), dbSNP rs587777599, ClinGen allele CA374554721.